The following is an entry in ClinVar:

ClinVar aggregate classification (germline): Uncertain significance (1 of 4 stars; one submission).

Allele frequency attached by ClinVar (database versions not stated): gnomAD exomes below 0.00001.
gnomAD v4.1: 1 of 1,613,908 alleles (0.000062%); highest among the groups gnomAD compares: African/African-American, 0.0013%; no homozygotes.

Submission:

Ambry Genetics
Classification: Uncertain significance. Last evaluated: 2023-12-10. Review status: criteria provided, single submitter. Criteria: Ambry Variant Classification Scheme 2023. Collection method: clinical testing. Allele origin: germline.
Comment: The p.H472Y variant (also known as c.1414C>T), located in coding exon 8 of the GALNT12 gene, results from a C to T substitution at nucleotide position 1414. The histidine at codon 472 is replaced by tyrosine, an amino acid with similar properties. This amino acid position is not well conserved in available vertebrate species. In addition, this alteration is predicted to be tolerated by in silico analysis. Since supporting evidence is limited at this time, the clinical significance of this alteration remains unclear.

NM_024642.5(GALNT12):c.1414C>T (p.His472Tyr)

Gene: GALNT12 (polypeptide N-acetylgalactosaminyltransferase 12; plus strand). Cytogenetic location: 9q22.33.
Variant type: single nucleotide variant.
Coding change: c.1414C>T on transcript NM_024642.5 (MANE Select); coding-DNA position 1414, C replaced by T.
Protein change: p.His472Tyr; replaces histidine 472 with tyrosine.
Molecular consequence: missense variant.
Genome position (GRCh38, 1-based): chr9:98,844,165, C>T. VCF-style: chr9-98844165-C-T. GRCh37 (hg19) VCF-style: chr9-101606447-C-T.
Other names: short protein forms H472Y.
Identifiers: ClinVar variation 1772100 (VCV001772100.2), dbSNP rs1836360197, ClinGen allele CA374221469.